The following is an entry in ClinVar:

NM_001164508.2(NEB):c.17546G>T (p.Arg5849Leu)

Gene: NEB (nebulin; minus strand). Cytogenetic location: 2q23.3.
Variant type: single nucleotide variant.
Coding change: c.17546G>T on transcript NM_001164508.2 (MANE Select); coding-DNA position 17546, G replaced by T.
Protein change: p.Arg5849Leu; replaces arginine 5849 with leucine.
Molecular consequence: missense variant.
Genome position (GRCh38, 1-based): chr2:151,568,706, C>A on the plus strand (G>T on the coding strand, the complement: NEB is on the minus strand). VCF-style: chr2-151568706-C-A. GRCh37 (hg19) VCF-style: chr2-152425220-C-A.
Other names: c.17546G>T, p.Arg5849Leu (NM_001271208.2, NM_001164507.2); c.12443G>T, p.Arg4148Leu (NM_004543.5); short protein forms R4148L, R5849L.
Identifiers: ClinVar variation 1898107 (VCV001898107.2), dbSNP rs776552937, ClinGen allele CA57661929.
Genomic context (GRCh38, chr2:151,568,706, plus strand): 5'-GCTGTCACATAATCAACTCTGTCATCCACAGGCGTAAAGTTGAGAGTTTCTATTTTTGTG[C>A]GATATTTTTTCTATGGGAAAGAAAGCATCTTTTAGATAGTTGTAATTCCTAGACATGTGT-3'
Protein context (NP_001157980.2, residues 5839-5859): AADIFSEKKY[Arg5849Leu]TKIETLNFTP

ClinVar aggregate classification (germline): Uncertain significance (1 of 4 stars; one submission).

Conditions:
Nemaline myopathy 2 (NEM2). Also called: Nemaline myopathy 2, autosomal recessive. Identifiers: MedGen C1850569, MONDO:0009725, OMIM 256030.

gnomAD v4.1: 7 of 1,594,268 alleles (0.00044%); highest among the groups gnomAD compares: Non-Finnish European, 0.0006%; no homozygotes.

Submission:

Labcorp Genetics (formerly Invitae), Labcorp
Classification: Uncertain significance for Nemaline myopathy 2. Last evaluated: 2022-02-02. Review status: criteria provided, single submitter. Criteria: Invitae Variant Classification Sherloc (09022015). Collection method: clinical testing. Allele origin: germline.
Comment: This sequence change replaces arginine, which is basic and polar, with leucine, which is neutral and non-polar, at codon 5849 of the NEB protein (p.Arg5849Leu). This variant is not present in population databases (gnomAD no frequency). This variant has not been reported in the literature in individuals affected with NEB-related conditions. Algorithms developed to predict the effect of missense changes on protein structure and function are either unavailable or do not agree on the potential impact of this missense change (SIFT: "Deleterious"; PolyPhen-2: "Not Available"; Align-GVGD: "Class C0"). In summary, the available evidence is currently insufficient to determine the role of this variant in disease. Therefore, it has been classified as a Variant of Uncertain Significance.